The following is an entry in ClinVar:

ClinVar aggregate classification (germline): Likely benign (0 of 4 stars; one submission).

Conditions:
CFAP43-related disorder. Also called: CFAP43-related condition.

Allele frequency attached by ClinVar (database versions not stated): gnomAD 0.00001; gnomAD exomes 0.00003.
gnomAD v4.1: 40 of 1,613,842 alleles (0.0025%); highest among the groups gnomAD compares: Non-Finnish European, 0.0034%; no homozygotes.

Submission:

PreventionGenetics, part of Exact Sciences
Classification: Likely benign for CFAP43-related condition. Last evaluated: 2022-05-19. Review status: no assertion criteria provided. Collection method: clinical testing. Allele origin: germline.
Comment: This variant is classified as likely benign based on ACMG/AMP sequence variant interpretation guidelines (Richards et al. 2015 PMID: 25741868, with internal and published modifications).

NM_025145.7(CFAP43):c.609T>C (p.Asp203=)

Gene: CFAP43 (cilia and flagella associated protein 43; minus strand). Cytogenetic location: 10q25.1.
Variant type: single nucleotide variant.
Coding change: c.609T>C on transcript NM_025145.7 (MANE Select); coding-DNA position 609, T replaced by C.
Protein change: p.Asp203=; no amino-acid change (aspartic acid 203 retained).
Molecular consequence: synonymous variant.
Genome position (GRCh38, 1-based): chr10:104,212,133, A>G on the plus strand (T>C on the coding strand, the complement: CFAP43 is on the minus strand). VCF-style: chr10-104212133-A-G. GRCh37 (hg19) VCF-style: chr10-105971891-A-G.
Identifiers: ClinVar variation 3053865 (VCV003053865.2), dbSNP rs1343416193, ClinGen allele CA471347527.
Genomic context (GRCh38, chr10:104,212,133, plus strand): 5'-GATGAGATCTTTCGGCAACGACTGGGGGAAAACGACATCCGTTTCATTAAAAAATGACCC[A>G]TCTTCTAGAGGTAATTTCACCGACCTGTAGACAAAAGAGGCATCAGAACAATGAGATGAA-3'
Protein context (NP_079421.5, residues 193-213): RARSVKLPLE[Asp203=]GSFFNETDVV